The following is an entry in ClinVar:

NM_005876.5(SPEG):c.7262C>T (p.Pro2421Leu)

Genes: ASIC4-AS1 (ASIC4 antisense RNA 1; minus strand), SPEG (striated muscle enriched protein kinase; plus strand). Cytogenetic location: 2q35.
Variant type: single nucleotide variant.
Coding change: c.7262C>T on transcript NM_005876.5 (MANE Select); coding-DNA position 7262, C replaced by T.
Protein change: p.Pro2421Leu; replaces proline 2421 with leucine.
Molecular consequence: missense variant.
Genome position (GRCh38, 1-based): chr2:219,484,725, C>T. VCF-style: chr2-219484725-C-T. GRCh37 (hg19) VCF-style: chr2-220349447-C-T.
Other names: c.7262C>T (NM_005876.4); short protein forms P2421L.
Identifiers: ClinVar variation 638484 (VCV000638484.49), dbSNP rs376076241, ClinGen allele CA2127194.

ClinVar aggregate classification (germline): Conflicting classifications of pathogenicity. Review status: criteria provided, conflicting classifications (1 of 4 stars). 6 submissions from 6 submitters: Uncertain significance (3); Benign (1); Likely benign (1). 1 of the submissions does not count toward it. Last evaluated 2026-01-19.

Conditions:
Inborn genetic diseases. Identifiers: MedGen C0950123, MeSH D030342.
Myopathy, centronuclear, 5 (CNM5). Identifiers: Orphanet 169186, MedGen C4014814, MONDO:0014418, OMIM 615959.
SPEG-related disorder. Also called: SPEG-related condition.

Allele frequency attached by ClinVar (database versions not stated): gnomAD 0.00012 and 0.00033; TOPMed 0.00015; 1000 Genomes Project 30x 0.00047; 1000 Genomes Project 0.00060; gnomAD exomes 0.00060 and 0.00149; ExAC 0.00574.

Submissions (6):

Labcorp Genetics (formerly Invitae), Labcorp
Classification: Benign. Last evaluated: 2026-01-19. Review status: criteria provided, single submitter. Criteria: Invitae Variant Classification Sherloc (09022015). Collection method: clinical testing. Allele origin: germline.

Blueprint Genetics
Classification: Likely benign. Last evaluated: 2024-11-25. Review status: criteria provided, single submitter. Criteria: ACMG Guidelines, 2015. Collection method: clinical testing. Allele origin: germline.

Ambry Genetics
Classification: Uncertain significance for Inborn genetic diseases. Last evaluated: 2022-12-28. Review status: criteria provided, single submitter. Criteria: Ambry Variant Classification Scheme 2023. Collection method: clinical testing. Allele origin: germline.

CeGaT Center for Human Genetics Tuebingen
Classification: Uncertain significance. Last evaluated: 2021-01-01. Review status: criteria provided, single submitter. Criteria: CeGaT Center For Human Genetics Tuebingen Variant Classification Criteria Version 2. Collection method: clinical testing. Allele origin: germline. Affected: yes. Observed: 1 variant allele.

Genomic Research Center, Shahid Beheshti University of Medical Sciences
Classification: Uncertain significance for Myopathy, centronuclear, 5. Last evaluated: 2019-04-27. Review status: criteria provided, single submitter. Criteria: ACMG Guidelines, 2015. Collection method: clinical testing. Allele origin: inherited. Affected: yes.

PreventionGenetics, part of Exact Sciences
Classification: Likely benign for SPEG-related condition. Last evaluated: 2019-11-14. Review status: no assertion criteria provided. Collection method: clinical testing. Allele origin: germline. Not counted in ClinVar's aggregate classification.
Comment: This variant is classified as likely benign based on ACMG/AMP sequence variant interpretation guidelines (Richards et al. 2015 PMID: 25741868, with internal and published modifications).